The following is an entry in ClinVar:

ClinVar aggregate classification (germline): Conflicting classifications of pathogenicity. Review status: criteria provided, conflicting classifications (1 of 4 stars). 3 submissions from 3 submitters: Uncertain significance (1); Likely benign (2). Last evaluated 2025-08-20.

Conditions:
Familial melanoma. Also called: Hereditary melanoma; Hereditary cutaneous melanoma. Identifiers: Orphanet 618, MedGen C1512419, MONDO:0018961.
Melanoma-pancreatic cancer syndrome. Identifiers: Orphanet 404560, MedGen C1838547, MONDO:0011713, OMIM 606719. Disease mechanism: loss of function.
Hereditary cancer-predisposing syndrome. Also called: Tumor predisposition; Neoplastic Syndromes, Hereditary; Hereditary neoplastic syndrome; Hereditary Cancer Syndrome. Identifiers: Orphanet 140162, MedGen C0027672, MeSH D009386, MONDO:0015356.

Submissions (3):

Labcorp Genetics (formerly Invitae), Labcorp
Classification: Likely benign for Familial melanoma. Last evaluated: 2025-08-20. Review status: criteria provided, single submitter. Criteria: Invitae Variant Classification Sherloc (09022015). Collection method: clinical testing. Allele origin: germline.

Myriad Genetics, Inc.
Classification: Likely benign for Melanoma-pancreatic cancer syndrome. Last evaluated: 2025-08-14. Review status: criteria provided, single submitter. Criteria: Myriad Autosomal Dominant, Autosomal Recessive and X-Linked Classification Criteria (2023). Collection method: clinical testing. Allele origin: unknown.
Comment: This variant is considered likely benign. This variant is intronic and is not expected to impact mRNA splicing.

Color Diagnostics, LLC DBA Color Health
Classification: Uncertain significance for Hereditary cancer-predisposing syndrome. Last evaluated: 2019-02-14. Review status: criteria provided, single submitter. Criteria: ACMG Guidelines, 2015. Collection method: clinical testing. Allele origin: germline.

NM_000077.5(CDKN2A):c.150+10G>A

Gene: CDKN2A (cyclin dependent kinase inhibitor 2A; minus strand). Cytogenetic location: 9p21.3.
Variant type: single nucleotide variant.
Coding change: c.150+10G>A on transcript NM_000077.5 (MANE Select); 10 bases into the intron after coding-DNA position 150, G replaced by A.
Molecular consequence: intron variant. On other transcripts: missense variant (1).
Genome position (GRCh38, 1-based): chr9:21,974,668, C>T on the plus strand (G>A on the coding strand, the complement: CDKN2A is on the minus strand). VCF-style: chr9-21974668-C-T. GRCh37 (hg19) VCF-style: chr9-21974667-C-T.
Other names: c.-3-3460G>A (NM_001363763.2); c.194-3460G>A (NM_058195.4); c.150+10G>A (NM_001195132.2); c.160G>A, p.Gly54Arg (NM_058197.5); short protein forms G54R.
Identifiers: ClinVar variation 927668 (VCV000927668.6), dbSNP rs557891718, ClinGen allele CA913188282.
Genomic context (GRCh38, chr9:21,974,668, plus strand): 5'-ATTCCCCTGCAAACTTCGTCCTCCAGAGTCGCCCGCCATCCCCTGCTCCCGCTGCAGACC[C>T]TCTACCCACCTGGATCGGCCTCCGACCGTAACTATTCGGTGCGTTGGGCAGCGCCCCCGC-3'